The following is an entry in ClinVar:

NM_007118.4(TRIO):c.2332C>T (p.Arg778Cys)

Gene: TRIO (trio Rho guanine nucleotide exchange factor; plus strand). Cytogenetic location: 5p15.2.
Variant type: single nucleotide variant.
Coding change: c.2332C>T on transcript NM_007118.4 (MANE Select); coding-DNA position 2332, C replaced by T.
Protein change: p.Arg778Cys; replaces arginine 778 with cysteine.
Molecular consequence: missense variant. On other transcripts: non-coding transcript variant (1).
Genome position (GRCh38, 1-based): chr5:14,359,472, C>T. VCF-style: chr5-14359472-C-T. GRCh37 (hg19) VCF-style: chr5-14359581-C-T.
Other names: short protein forms R778C.
Identifiers: ClinVar variation 2580769 (VCV002580769.1), dbSNP rs778813839, ClinGen allele CA3205869.

ClinVar aggregate classification (germline): Uncertain significance (1 of 4 stars; one submission).

Allele frequency attached by ClinVar (database versions not stated): gnomAD 0.00001; gnomAD exomes 0.00002; TOPMed 0.00002; ExAC 0.00003.
gnomAD v4.1: 35 of 1,614,158 alleles (0.0022%); highest among the groups gnomAD compares: Admixed American, 0.0067%; no homozygotes.

Submission:

GeneDx
Classification: Uncertain significance. Last evaluated: 2023-09-19. Review status: criteria provided, single submitter. Criteria: GeneDx Variant Classification Process June 2021. Collection method: clinical testing. Allele origin: germline. Affected: yes.
Comment: In silico analysis supports that this missense variant has a deleterious effect on protein structure/function; Has not been previously published as pathogenic or benign to our knowledge